The following is an entry in ClinVar:

ClinVar aggregate classification (germline): Uncertain significance (1 of 4 stars; one submission).

Allele frequency attached by ClinVar (database versions not stated): gnomAD exomes 0.00001; ExAC 0.00002; TOPMed 0.00002; gnomAD 0.00003; 1000 Genomes Project 30x 0.00016; 1000 Genomes Project 0.00020.
gnomAD v4.1: 19 of 1,607,842 alleles (0.0012%); highest among the groups gnomAD compares: East Asian, 0.0089%; no homozygotes.

Submission:

Labcorp Genetics (formerly Invitae), Labcorp
Classification: Uncertain significance. Last evaluated: 2022-03-13. Review status: criteria provided, single submitter. Criteria: Invitae Variant Classification Sherloc (09022015). Collection method: clinical testing. Allele origin: germline.
Comment: In summary, the available evidence is currently insufficient to determine the role of this variant in disease. Therefore, it has been classified as a Variant of Uncertain Significance. Algorithms developed to predict the effect of sequence changes on RNA splicing suggest that this variant is not likely to affect RNA splicing. This variant has not been reported in the literature in individuals affected with TALDO1-related conditions. This variant is present in population databases (rs181231454, gnomAD 0.003%). This sequence change affects codon 278 of the TALDO1 mRNA. It is a 'silent' change, meaning that it does not change the encoded amino acid sequence of the TALDO1 protein. It affects a nucleotide within the consensus splice site.

NM_006755.2(TALDO1):c.834G>A (p.Ala278=)

Gene: TALDO1 (transaldolase 1; plus strand). Cytogenetic location: 11p15.5.
Variant type: single nucleotide variant.
Coding change: c.834G>A on transcript NM_006755.2 (MANE Select); coding-DNA position 834, G replaced by A.
Protein change: p.Ala278=; no amino-acid change (alanine 278 retained).
Molecular consequence: synonymous variant.
Genome position (GRCh38, 1-based): chr11:763,943, G>A. VCF-style: chr11-763943-G-A. GRCh37 (hg19) VCF-style: chr11-763943-G-A.
Identifiers: ClinVar variation 1927357 (VCV001927357.3), dbSNP rs181231454, ClinGen allele CA5788307.